The following is an entry in ClinVar:

NM_005802.5(TOPORS):c.583C>T (p.Pro195Ser)

Gene: TOPORS (TOP1 binding arginine/serine rich protein, E3 ubiquitin ligase; minus strand). Cytogenetic location: 9p21.1.
Variant type: single nucleotide variant.
Coding change: c.583C>T on transcript NM_005802.5 (MANE Select); coding-DNA position 583, C replaced by T.
Protein change: p.Pro195Ser; replaces proline 195 with serine.
Molecular consequence: missense variant.
Genome position (GRCh38, 1-based): chr9:32,543,942, G>A on the plus strand (C>T on the coding strand, the complement: TOPORS is on the minus strand). VCF-style: chr9-32543942-G-A. GRCh37 (hg19) VCF-style: chr9-32543940-G-A.
Other names: c.388C>T, p.Pro130Ser (NM_001195622.2); short protein forms P195S, P130S.
Identifiers: ClinVar variation 3684666 (VCV003684666.2).

ClinVar aggregate classification (germline): Uncertain significance (1 of 4 stars; one submission).

gnomAD v4.1: 1 of 1,614,082 alleles (0.000062%); highest among the groups gnomAD compares: Non-Finnish European, 0.000085%; no homozygotes.

Submission:

Labcorp Genetics (formerly Invitae), Labcorp
Classification: Uncertain significance. Last evaluated: 2024-05-25. Review status: criteria provided, single submitter. Criteria: Invitae Variant Classification Sherloc (09022015). Collection method: clinical testing. Allele origin: germline.
Comment: This sequence change replaces proline, which is neutral and non-polar, with serine, which is neutral and polar, at codon 195 of the TOPORS protein (p.Pro195Ser). This variant is not present in population databases (gnomAD no frequency). This variant has not been reported in the literature in individuals affected with TOPORS-related conditions. An algorithm developed to predict the effect of missense changes on protein structure and function (PolyPhen-2) suggests that this variant is likely to be tolerated. In summary, the available evidence is currently insufficient to determine the role of this variant in disease. Therefore, it has been classified as a Variant of Uncertain Significance.